The following is an entry in ClinVar:

ClinVar aggregate classification (germline): Uncertain significance. Review status: criteria provided, single submitter (1 of 4 stars). 2 submissions from 2 submitters: Uncertain significance (1). 1 of the submissions does not count toward it. Last evaluated 2021-08-31.

Conditions:
3-methylcrotonyl-CoA carboxylase 1 deficiency (MCC1D). Also called: MCCD TYPE 1; METHYLCROTONYLGLYCINURIA TYPE I; MCC 1 deficiency; 3 Alpha methylcrotonylglycinuria 1. Identifiers: Orphanet 6, MedGen CN028786, MONDO:0008861, OMIM 210200.

Allele frequency attached by ClinVar (database versions not stated): gnomAD exomes below 0.00001 and 0.00001; TOPMed below 0.00001; gnomAD 0.00001.

Submissions (2):

Labcorp Genetics (formerly Invitae), Labcorp
Classification: Uncertain significance for 3-methylcrotonyl-CoA carboxylase 1 deficiency. Last evaluated: 2021-08-31. Review status: criteria provided, single submitter. Criteria: Invitae Variant Classification Sherloc (09022015). Collection method: clinical testing. Allele origin: germline.
Comment: This sequence change replaces proline with leucine at codon 28 of the MCCC1 protein (p.Pro28Leu). The proline residue is weakly conserved and there is a moderate physicochemical difference between proline and leucine. This variant is not present in population databases (ExAC no frequency). This variant has not been reported in the literature in individuals affected with MCCC1-related conditions. Algorithms developed to predict the effect of missense changes on protein structure and function output the following: SIFT: "Tolerated"; PolyPhen-2: "Benign"; Align-GVGD: "Class C0". The leucine amino acid residue is found in multiple mammalian species, which suggests that this missense change does not adversely affect protein function. In summary, the available evidence is currently insufficient to determine the role of this variant in disease. Therefore, it has been classified as a Variant of Uncertain Significance.

Natera, Inc.
Classification: Uncertain significance for 3-methylcrotonyl-CoA carboxylase 1 deficiency. Last evaluated: 2021-02-18. Review status: no assertion criteria provided. Collection method: clinical testing. Allele origin: germline. Not counted in ClinVar's aggregate classification.

NM_020166.5(MCCC1):c.83C>T (p.Pro28Leu)

Gene: MCCC1 (methylcrotonyl-CoA carboxylase subunit 1; minus strand). Cytogenetic location: 3q27.1.
Variant type: single nucleotide variant.
Coding change: c.83C>T on transcript NM_020166.5 (MANE Select); coding-DNA position 83, C replaced by T.
Protein change: p.Pro28Leu; replaces proline 28 with leucine.
Molecular consequence: missense variant. On other transcripts: 5 prime UTR variant (2), non-coding transcript variant (1).
Genome position (GRCh38, 1-based): chr3:183,099,358, G>A on the plus strand (C>T on the coding strand, the complement: MCCC1 is on the minus strand). VCF-style: chr3-183099358-G-A. GRCh37 (hg19) VCF-style: chr3-182817146-G-A.
Other names: c.-10C>T (NM_001293273.2); c.-108C>T (NM_001363880.1); short protein forms P28L.
Identifiers: ClinVar variation 649194 (VCV000649194.10), dbSNP rs1164035251, ClinGen allele CA355324120.